The following is an entry in ClinVar:

ClinVar aggregate classification (germline): Likely benign. Review status: criteria provided, multiple submitters, no conflicts (2 of 4 stars). 3 submissions from 3 submitters: Likely benign (2). 1 of the submissions does not count toward it. Last evaluated 2024-07-22.

Conditions:
VLDLR-related disorder. Also called: VLDLR-related condition.

Allele frequency attached by ClinVar (database versions not stated): TOPMed 0.00001; gnomAD 0.00002; ExAC 0.00003; gnomAD exomes 0.00005; ESP Exome Variant Server 0.00008; 1000 Genomes Project 30x 0.00016; 1000 Genomes Project 0.00020.
gnomAD v4.1: 71 of 1,614,048 alleles (0.0044%); highest among the groups gnomAD compares: Non-Finnish European, 0.0055%; no homozygotes.

Submissions (3):

Blueprint Genetics
Classification: Likely benign. Last evaluated: 2024-07-22. Review status: criteria provided, single submitter. Criteria: ACMG Guidelines, 2015. Collection method: clinical testing. Allele origin: germline.

Labcorp Genetics (formerly Invitae), Labcorp
Classification: Likely benign. Last evaluated: 2024-02-17. Review status: criteria provided, single submitter. Criteria: Invitae Variant Classification Sherloc (09022015). Collection method: clinical testing. Allele origin: germline.

PreventionGenetics, part of Exact Sciences
Classification: Likely benign for VLDLR-related condition. Last evaluated: 2019-02-27. Review status: no assertion criteria provided. Collection method: clinical testing. Allele origin: germline. Not counted in ClinVar's aggregate classification.
Comment: This variant is classified as likely benign based on ACMG/AMP sequence variant interpretation guidelines (Richards et al. 2015 PMID: 25741868, with internal and published modifications).

NM_003383.5(VLDLR):c.180C>T (p.Asp60=)

Gene: VLDLR (very low density lipoprotein receptor; plus strand). Cytogenetic location: 9p24.2.
Variant type: single nucleotide variant.
Coding change: c.180C>T on transcript NM_003383.5 (MANE Select); coding-DNA position 180, C replaced by T.
Protein change: p.Asp60=; no amino-acid change (aspartic acid 60 retained).
Molecular consequence: synonymous variant.
Genome position (GRCh38, 1-based): chr9:2,635,550, C>T. VCF-style: chr9-2635550-C-T. GRCh37 (hg19) VCF-style: chr9-2635550-C-T.
Other names: c.180C>T (NM_003383.4); c.180C>T, p.Asp60= (NM_001018056.3, NM_001322225.2, NM_001322226.2).
Identifiers: ClinVar variation 2960427 (VCV002960427.6), dbSNP rs151277117, ClinGen allele CA4964438.